The following is an entry in ClinVar:

NM_006662.3(SRCAP):c.132C>T (p.Gly44=)

Gene: SRCAP (Snf2 related CREBBP activator protein; plus strand). Cytogenetic location: 16p11.2.
Variant type: single nucleotide variant.
Coding change: c.132C>T on transcript NM_006662.3 (MANE Select); coding-DNA position 132, C replaced by T.
Protein change: p.Gly44=; no amino-acid change (glycine 44 retained).
Molecular consequence: synonymous variant.
Genome position (GRCh38, 1-based): chr16:30,704,141, C>T. VCF-style: chr16-30704141-C-T. GRCh37 (hg19) VCF-style: chr16-30715462-C-T.
Identifiers: ClinVar variation 160032 (VCV000160032.50), dbSNP rs149628651, ClinGen allele CA272644.

ClinVar aggregate classification (germline): Benign/Likely benign. Review status: criteria provided, multiple submitters, no conflicts (2 of 4 stars). 6 submissions from 6 submitters: Benign (2); Likely benign (4). Last evaluated 2026-09-01.

Allele frequency attached by ClinVar (database versions not stated): 1000 Genomes Project 0.00100; 1000 Genomes Project 30x 0.00125; ExAC 0.00157; gnomAD exomes 0.00161; TOPMed 0.00172; gnomAD 0.00177 and 0.00180; ESP Exome Variant Server 0.00244.
gnomAD v4.1: 3,074 of 1,614,186 alleles (0.19%); highest among the groups gnomAD compares: Middle Eastern, 0.53%; 7 homozygotes.

Submissions (10):

CeGaT Center for Human Genetics Tuebingen
Classification: Likely benign. Last evaluated: 2026-09-01. Review status: criteria provided, single submitter. Criteria: CeGaT Center For Human Genetics Tuebingen Variant Classification Criteria Version 2. Collection method: clinical testing. Allele origin: germline. Affected: yes. Observed: 18 variant alleles.
Comment: SRCAP: BP4, BP7

Labcorp Genetics (formerly Invitae), Labcorp
Classification: Benign. Last evaluated: 2026-01-14. Review status: criteria provided, single submitter. Criteria: Invitae Variant Classification Sherloc (09022015). Collection method: clinical testing. Allele origin: germline.

Blueprint Genetics
Classification: Likely benign. Last evaluated: 2024-11-26. Review status: criteria provided, single submitter. Criteria: ACMG Guidelines, 2015. Collection method: clinical testing. Allele origin: germline.

Genetic Services Laboratory, University of Chicago
Classification: Likely benign. Last evaluated: 2021-12-08. Review status: criteria provided, single submitter. Criteria: ACMG Guidelines, 2015. Collection method: clinical testing. Allele origin: germline. Affected: no.

Eurofins Ntd Llc (ga)
Classification: Benign. Last evaluated: 2016-07-13. Review status: criteria provided, single submitter. Criteria: EGL Classification Definitions 2015. Collection method: clinical testing. Allele origin: germline. Observed: 1 variant allele, 1 heterozygote.

Breakthrough Genomics
Classification: Likely benign. Review status: criteria provided, single submitter. Criteria: ACMG Guidelines, 2015. Collection method: not provided. Allele origin: germline. Inheritance: Autosomal dominant inheritance. Affected: yes.

Dr. Peter K. Rogan Lab, Western University
No classification provided (evidence only). Condition: Melanoma. Review status: no classification provided. Collection method: in vitro. Allele origin: not applicable. Functional consequence: retained intron. Not counted in ClinVar's aggregate classification.

Dr. Peter K. Rogan Lab, Western University
No classification provided (evidence only). Condition: Sarcoma. Review status: no classification provided. Collection method: in vitro. Allele origin: not applicable. Functional consequence: retained intron. Not counted in ClinVar's aggregate classification.

Dr. Peter K. Rogan Lab, Western University
No classification provided (evidence only). Condition: Hepatocellular carcinoma. Review status: no classification provided. Collection method: in vitro. Allele origin: not applicable. Functional consequence: retained intron. Not counted in ClinVar's aggregate classification.

Dr. Peter K. Rogan Lab, Western University
No classification provided (evidence only). Condition: Ovarian serous cystadenocarcinoma. Review status: no classification provided. Collection method: in vitro. Allele origin: not applicable. Functional consequence: retained intron. Not counted in ClinVar's aggregate classification.